The following is an entry in ClinVar:

NM_001613.4(ACTA2):c.461T>C (p.Val154Ala)

Gene: ACTA2 (actin alpha 2, smooth muscle; minus strand). Cytogenetic location: 10q23.31.
Variant type: single nucleotide variant.
Coding change: c.461T>C on transcript NM_001613.4 (MANE Select); coding-DNA position 461, T replaced by C.
Protein change: p.Val154Ala; replaces valine 154 with alanine.
Molecular consequence: missense variant.
Genome position (GRCh38, 1-based): chr10:88,941,384, A>G on the plus strand (T>C on the coding strand, the complement: ACTA2 is on the minus strand). VCF-style: chr10-88941384-A-G. GRCh37 (hg19) VCF-style: chr10-90701141-A-G.
Other names: c.461T>C, p.Val154Ala (NM_001141945.3, NM_001320855.2, NM_001406462.1 and 3 more transcripts); c.350T>C, p.Val117Ala (NM_001406466.1); c.332T>C, p.Val111Ala (NM_001406467.1, NM_001406468.1, NM_001406469.1); short protein forms V154A, V111A, V117A.
Identifiers: ClinVar variation 469085 (VCV000469085.10), dbSNP rs1554841298, ClinGen allele CA377512372.
Genomic context (GRCh38, chr10:88,941,384, plus strand): 5'-GGCAAGGCATAGCCCTCATAGATGGGGACATTGTGGGTGACACCATCTCCAGAGTCCAGC[A>G]CGATGCCTGGGAGACAATTGGGCGTGATAAGTCACCATGGCAGCTGGCATGTGGTTACTT-3'
Protein context (NP_001604.1, residues 144-164): LYASGRTTGI[Val154Ala]LDSGDGVTHN

ClinVar aggregate classification (germline): Uncertain significance (1 of 4 stars; one submission).

Conditions:
Aortic aneurysm, familial thoracic 6 (AAT6). Also called: FAMILIAL THORACIC AORTIC ANEURYSM WITH LIVEDO RETICULARIS AND IRIS FLOCCULI. Identifiers: MedGen C2673186, MONDO:0012730, OMIM 611788.

Submission:

Labcorp Genetics (formerly Invitae), Labcorp
Classification: Uncertain significance for Aortic aneurysm, familial thoracic 6. Last evaluated: 2023-09-25. Review status: criteria provided, single submitter. Criteria: Invitae Variant Classification Sherloc (09022015). Collection method: clinical testing. Allele origin: germline.
Comment: In summary, the available evidence is currently insufficient to determine the role of this variant in disease. Therefore, it has been classified as a Variant of Uncertain Significance. This variant disrupts the p.Val154 amino acid residue in ACTA2. Other variant(s) that disrupt this residue have been observed in individuals with ACTA2-related conditions (Invitae), which suggests that this may be a clinically significant amino acid residue. Advanced modeling of protein sequence and biophysical properties (such as structural, functional, and spatial information, amino acid conservation, physicochemical variation, residue mobility, and thermodynamic stability) performed at Invitae indicates that this missense variant is not expected to disrupt ACTA2 protein function. ClinVar contains an entry for this variant (Variation ID: 469085). This missense change has been observed in individuals with aortic aneurysm and/or dissection (PMID: 17994018; Invitae). This variant is not present in population databases (gnomAD no frequency). This sequence change replaces valine, which is neutral and non-polar, with alanine, which is neutral and non-polar, at codon 154 of the ACTA2 protein (p.Val154Ala).

Literature cited by the submitters: PubMed 17994018.